The following is an entry in ClinVar:

NM_000193.4(SHH):c.388G>A (p.Glu130Lys)

Gene: SHH (sonic hedgehog signaling molecule; minus strand). Cytogenetic location: 7q36.3.
Variant type: single nucleotide variant.
Coding change: c.388G>A on transcript NM_000193.4 (MANE Select); coding-DNA position 388, G replaced by A.
Protein change: p.Glu130Lys; replaces glutamic acid 130 with lysine.
Molecular consequence: missense variant. On other transcripts: non-coding transcript variant (2).
Genome position (GRCh38, 1-based): chr7:155,806,470, C>T on the plus strand (G>A on the coding strand, the complement: SHH is on the minus strand). VCF-style: chr7-155806470-C-T. GRCh37 (hg19) VCF-style: chr7-155599164-C-T.
Other names: c.127G>A, p.Glu43Lys (NM_001310462.2); short protein forms E130K, E43K.
Identifiers: ClinVar variation 2228606 (VCV002228606.2), dbSNP rs2535901368, ClinGen allele CA370149265.

ClinVar aggregate classification (germline): Uncertain significance (1 of 4 stars; one submission).

Conditions:
Inborn genetic diseases. Identifiers: MedGen C0950123, MeSH D030342.

Allele frequency attached by ClinVar (database versions not stated): gnomAD exomes below 0.00001.

Submission:

Ambry Genetics
Classification: Uncertain significance for Inborn genetic diseases. Last evaluated: 2020-12-11. Review status: criteria provided, single submitter. Criteria: Ambry Variant Classification Scheme 2023. Collection method: clinical testing. Allele origin: germline.
Comment: The c.388G>A (p.E130K) alteration is located in exon 2 (coding exon 2) of the SHH gene. This alteration results from a G to A substitution at nucleotide position 388, causing the glutamic acid (E) at amino acid position 130 to be replaced by a lysine (K). Based on data from the Genome Aggregation Database (gnomAD), the SHH c.388G>A alteration was not observed, with coverage at this position. This amino acid position is highly conserved in available vertebrate species. The in silico prediction for the p.E130K alteration is inconclusive. Based on insufficient or conflicting evidence, the clinical significance of this alteration remains unclear.